The following is an entry in ClinVar:

ClinVar aggregate classification (germline): Uncertain significance. Review status: criteria provided, multiple submitters, no conflicts (2 of 4 stars). 2 submissions from 2 submitters: Uncertain significance (2). Last evaluated 2025-12-12.

Conditions:
Frontotemporal dementia and/or amyotrophic lateral sclerosis 1 (FTDALS1). Also called: Frontotemporal dementia with motor neuron disease 1; C9orf72 Frontotemporal Dementia and/or Amyotrophic Lateral Sclerosis. Identifiers: Orphanet 275872, MedGen C5779877, MONDO:0007105, OMIM 105550.
Paget disease of bone 2, early-onset (PDB2). Also called: Paget disease of bone 2. Identifiers: MedGen C4085251, MONDO:0011183, OMIM 602080.

Allele frequency attached by ClinVar (database versions not stated): ExAC 0.00003; gnomAD exomes 0.00003 and 0.00006; gnomAD 0.00007 and 0.00008; TOPMed 0.00007; ESP Exome Variant Server 0.00008.
gnomAD v4.1: 102 of 1,613,108 alleles (0.0063%); highest among the groups gnomAD compares: Non-Finnish European, 0.0086%; no homozygotes.

Submissions (2):

GeneDx
Classification: Uncertain significance. Last evaluated: 2025-12-12. Review status: criteria provided, single submitter. Criteria: GeneDx Variant Classification Process June 2021. Collection method: clinical testing. Allele origin: germline. Affected: yes.
Comment: Observed in individuals with dementia with Lewy bodies as a variant of uncertain significance in the published literature (PMID: 26836416, 31996268); In silico analysis supports that this missense variant has a deleterious effect on protein structure/function; This variant is associated with the following publications: (PMID: 31996268, 26836416)

Labcorp Genetics (formerly Invitae), Labcorp
Classification: Uncertain significance for Paget disease of bone 2, early-onset; Frontotemporal dementia and/or amyotrophic lateral sclerosis 1. Last evaluated: 2025-12-09. Review status: criteria provided, single submitter. Criteria: Invitae Variant Classification Sherloc (09022015). Collection method: clinical testing. Allele origin: germline.
Comment: This sequence change replaces proline, which is neutral and non-polar, with leucine, which is neutral and non-polar, at codon 111 of the SQSTM1 protein (p.Pro111Leu). This variant is present in population databases (rs371719657, gnomAD 0.009%). This missense change has been observed in individual(s) with dementia with Lewy bodies (PMID: 26836416, 31996268). This variant is also known as p.P27L. ClinVar contains an entry for this variant (Variation ID: 475401). Invitae Evidence Modeling of protein sequence and biophysical properties (such as structural, functional, and spatial information, amino acid conservation, physicochemical variation, residue mobility, and thermodynamic stability) indicates that this missense variant is not expected to disrupt SQSTM1 protein function with a negative predictive value of 80%. In summary, the available evidence is currently insufficient to determine the role of this variant in disease. Therefore, it has been classified as a Variant of Uncertain Significance.

Literature cited by the submitters: PubMed 26836416 (cited by Labcorp Genetics (formerly Invitae), Labcorp); PubMed 31996268 (cited by Labcorp Genetics (formerly Invitae), Labcorp).

NM_003900.5(SQSTM1):c.332C>T (p.Pro111Leu)

Gene: SQSTM1 (sequestosome 1; plus strand). Cytogenetic location: 5q35.3.
Variant type: single nucleotide variant.
Coding change: c.332C>T on transcript NM_003900.5 (MANE Select); coding-DNA position 332, C replaced by T.
Protein change: p.Pro111Leu; replaces proline 111 with leucine.
Molecular consequence: missense variant.
Genome position (GRCh38, 1-based): chr5:179,823,888, C>T. VCF-style: chr5-179823888-C-T. GRCh37 (hg19) VCF-style: chr5-179250888-C-T.
Other names: c.80C>T, p.Pro27Leu (NM_001142298.2, NM_001142299.2); short protein forms P111L, P27L.
Identifiers: ClinVar variation 475401 (VCV000475401.9), dbSNP rs371719657, ClinGen allele CA3600473.
Genomic context (GRCh38, chr5:179,823,888, plus strand): 5'-CCCTAGCGGCTCTCTTTACCCTTCCTGTAGAGAAAAAAGAGTGCCGGCGGGACCACCGCC[C>T]ACCGTGTGCTCAGGAGGCGCCCCGCAACATGGTGCACCCCAATGTGATCTGCGATGGCTG-3'
Protein context (NP_003891.1, residues 101-121): EKKECRRDHR[Pro111Leu]PCAQEAPRNM